The following is an entry in ClinVar:

ClinVar aggregate classification (germline): Benign (1 of 4 stars; one submission).

Submission:

Unidad de Genómica Garrahan, Hospital de Pediatría Garrahan
Classification: Benign. Last evaluated: 2024-07-15. Review status: criteria provided, single submitter. Criteria: ACMG Guidelines, 2015. Collection method: clinical testing. Allele origin: germline. Affected: no. Observed: 19 variant alleles.
Comment: This variant is classified as Benign based on local population frequency. This variant was detected in 20% of patients studied in a panel designed for Epileptic and Developmental Encephalopathy and Progressive Myoclonus Epilepsy. Number of patients: 19. Only high quality variants are reported.

NM_006516.4(SLC2A1):c.1278+27_1278+28insCTCGCCATTT

Gene: SLC2A1 (solute carrier family 2 member 1; minus strand). Cytogenetic location: 1p34.2.
Variant type: Microsatellite.
Coding change: c.1278+27_1278+28insCTCGCCATTT on transcript NM_006516.4 (MANE Select); bases 27 to 28 of the intron after coding-DNA position 1278, CTCGCCATTT inserted.
Molecular consequence: intron variant.
Genome position: GRCh38 VCF-style: chr1-42927577-T-TGAGAAATGGC. GRCh37 (hg19) VCF-style: chr1-43393248-T-TGAGAAATGGC.
Identifiers: ClinVar variation 3255313 (VCV003255313.2), dbSNP rs2124446086.
Genomic context (GRCh38, chr1:42,927,577, plus strand): 5'-ATTCCTAATGAGAATGCTGGGCCAGCACTTTGCACAGCACTGTGGGGTCATGCGTGCGGG[T>TGAGAAATGGC]GAGTATAGAGACAGTGGGGGTTCTCACCTCCACATACTGGAAGCACATGCCCACAATGAA-3'